The following is an entry in ClinVar:

ClinVar aggregate classification (germline): no classifications from unflagged records (0 of 4 stars; one submission).

Conditions:
Chronic obstructive pulmonary disease. Also called: Chronic pulmonary obstruction. Identifiers: MedGen C0024117, MeSH D029424, MONDO:0005002, OMIM 606963, HP:0006510.

gnomAD v4.1: 41,417 of 152,156 alleles (27%); highest among the groups gnomAD compares: Middle Eastern, 41%; 6,412 homozygotes.

Submission:

Dr Mariam's Lab, University of the Punjab
Classification: Likely pathogenic for Chronic obstructive pulmonary disease. Review status: flagged submission. Collection method: case-control. Allele origin: germline. Affected: yes.
ClinVar note: Notes: This variant is present in over 30% of the population and the phenotype is not a monogenic disease. The terms P/LP are not appropriate.
ClinVar note: Reason: Other

NM_001013619.4(HYKK):c.337+256T>C

Gene: HYKK (hydroxylysine kinase; plus strand). Cytogenetic location: 15q25.1.
Variant type: single nucleotide variant.
Coding change: c.337+256T>C on transcript NM_001013619.4 (MANE Select); 256 bases into the intron after coding-DNA position 337, T replaced by C.
Molecular consequence: intron variant.
Genome position (GRCh38, 1-based): chr15:78,513,681, T>C. VCF-style: chr15-78513681-T-C. GRCh37 (hg19) VCF-style: chr15-78806023-T-C.
Other names: c.337+256T>C (NM_001083612.2).
Identifiers: ClinVar variation 3336640 (VCV003336640.1).
Genomic context (GRCh38, chr15:78,513,681, plus strand): 5'-TGGTGATTGGTCCTCTGATTGAGTAGTGGTTAGAGCCCAATGTGGTATAAGTTTTCTGTT[T>C]AGAAAGGCCCTGACAGATAGTAACTAAGGGGACTTGTGGAAATCAGGGGAATATTTTTTG-3'